The following is an entry in ClinVar:

ClinVar aggregate classification (germline): Uncertain significance. Review status: criteria provided, multiple submitters, no conflicts (2 of 4 stars). 2 submissions from 2 submitters: Uncertain significance (2). Last evaluated 2025-12-03.

Conditions:
Hereditary cancer-predisposing syndrome. Also called: Neoplastic Syndromes, Hereditary; Hereditary Cancer Syndrome; Tumor predisposition; Hereditary neoplastic syndrome. Identifiers: Orphanet 140162, MedGen C0027672, MeSH D009386, MONDO:0015356.

Allele frequency attached by ClinVar (database versions not stated): TOPMed below 0.00001; gnomAD exomes 0.00001.
gnomAD v4.1: 3 of 1,606,142 alleles (0.00019%); highest among the groups gnomAD compares: African/African-American, 0.0013%; no homozygotes.

Submissions (2):

Ambry Genetics
Classification: Uncertain significance for Hereditary cancer-predisposing syndrome. Last evaluated: 2025-12-03. Review status: criteria provided, single submitter. Criteria: Ambry Variant Classification Scheme 2023. Collection method: clinical testing. Allele origin: germline.

Labcorp Genetics (formerly Invitae), Labcorp
Classification: Uncertain significance. Last evaluated: 2023-10-08. Review status: criteria provided, single submitter. Criteria: Invitae Variant Classification Sherloc (09022015). Collection method: clinical testing. Allele origin: germline.
Comment: This sequence change replaces serine, which is neutral and polar, with asparagine, which is neutral and polar, at codon 203 of the HOXB13 protein (p.Ser203Asn). This variant is not present in population databases (gnomAD no frequency). This variant has not been reported in the literature in individuals affected with HOXB13-related conditions. ClinVar contains an entry for this variant (Variation ID: 852737). Advanced modeling of protein sequence and biophysical properties (such as structural, functional, and spatial information, amino acid conservation, physicochemical variation, residue mobility, and thermodynamic stability) performed at Invitae indicates that this missense variant is not expected to disrupt HOXB13 protein function. In summary, the available evidence is currently insufficient to determine the role of this variant in disease. Therefore, it has been classified as a Variant of Uncertain Significance.

NM_006361.6(HOXB13):c.608G>A (p.Ser203Asn)

Gene: HOXB13 (homeobox B13; minus strand). Cytogenetic location: 17q21.32.
Variant type: single nucleotide variant.
Coding change: c.608G>A on transcript NM_006361.6 (MANE Select); coding-DNA position 608, G replaced by A.
Protein change: p.Ser203Asn; replaces serine 203 with asparagine.
Molecular consequence: missense variant.
Genome position (GRCh38, 1-based): chr17:48,727,037, C>T on the plus strand (G>A on the coding strand, the complement: HOXB13 is on the minus strand). VCF-style: chr17-48727037-C-T. GRCh37 (hg19) VCF-style: chr17-46804399-C-T.
Other names: short protein forms S203N.
Identifiers: ClinVar variation 852737 (VCV000852737.10), dbSNP rs1223142899, ClinGen allele CA400107065.